The following is an entry in ClinVar:

NM_032977.4(CASP10):c.814-6T>G

Gene: CASP10 (caspase 10; plus strand). Cytogenetic location: 2q33.1.
Variant type: single nucleotide variant.
Coding change: c.814-6T>G on transcript NM_032977.4 (MANE Select); 6 bases into the intron before coding-DNA position 814, T replaced by G.
Molecular consequence: intron variant.
Genome position (GRCh38, 1-based): chr2:201,208,069, T>G. VCF-style: chr2-201208069-T-G. GRCh37 (hg19) VCF-style: chr2-202072792-T-G.
Other names: c.814-6T>G (NM_032974.5); c.685-6T>G (NM_001206542.2, NM_001230.5); c.722-6T>G (NM_032976.4); c.722-1001T>G (NM_001206524.2).
Identifiers: ClinVar variation 1058654 (VCV001058654.11), dbSNP rs762072082, ClinGen allele CA2499215567.

ClinVar aggregate classification (germline): Uncertain significance (1 of 4 stars; one submission).

Conditions:
Autoimmune lymphoproliferative syndrome type 2A (ALPS2A). Also called: CASP10-Related Autoimmune Lymphoproliferative Syndrome; AUTOIMMUNE LYMPHOPROLIFERATIVE SYNDROME, TYPE IIA; Autoimmune lymphoproliferative syndrome type 2. Identifiers: Orphanet 3261, MedGen C1858968, MONDO:0011383, OMIM 603909.

Submission:

Labcorp Genetics (formerly Invitae), Labcorp
Classification: Uncertain significance for Autoimmune lymphoproliferative syndrome type 2A. Last evaluated: 2024-07-01. Review status: criteria provided, single submitter. Criteria: Invitae Variant Classification Sherloc (09022015). Collection method: clinical testing. Allele origin: germline.
Comment: This sequence change falls in intron 7 of the CASP10 gene. It does not directly change the encoded amino acid sequence of the CASP10 protein. This variant is not present in population databases (gnomAD no frequency). This variant has not been reported in the literature in individuals affected with CASP10-related conditions. ClinVar contains an entry for this variant (Variation ID: 1058654). Algorithms developed to predict the effect of sequence changes on RNA splicing suggest that this variant may disrupt the consensus splice site. In summary, the available evidence is currently insufficient to determine the role of this variant in disease. Therefore, it has been classified as a Variant of Uncertain Significance.